The following is an entry in ClinVar:

ClinVar aggregate classification (germline): Pathogenic (1 of 4 stars; one submission).

Submission:

Labcorp Genetics (formerly Invitae), Labcorp
Classification: Pathogenic. Last evaluated: 2025-01-14. Review status: criteria provided, single submitter. Criteria: Invitae Variant Classification Sherloc (09022015). Collection method: clinical testing. Allele origin: germline.
Comment: This sequence change creates a premature translational stop signal (p.Arg955*) in the EIF2AK4 gene. It is expected to result in an absent or disrupted protein product. Loss-of-function variants in EIF2AK4 are known to be pathogenic (PMID: 12215525, 24135949, 24292273, 24310610, 28972005, 29743074). This variant is not present in population databases (gnomAD no frequency). This variant has not been reported in the literature in individuals affected with EIF2AK4-related conditions. Algorithms developed to predict the effect of sequence changes on RNA splicing suggest that this variant may disrupt the consensus splice site. For these reasons, this variant has been classified as Pathogenic.

Literature cited by the submitters: PubMed 12215525; PubMed 24135949; PubMed 24292273; PubMed 24310610; PubMed 28972005; PubMed 29743074.

NM_001013703.4(EIF2AK4):c.2863A>T (p.Arg955Ter)

Gene: EIF2AK4 (eukaryotic translation initiation factor 2 alpha kinase 4; plus strand). Cytogenetic location: 15q15.1.
Variant type: single nucleotide variant.
Coding change: c.2863A>T on transcript NM_001013703.4 (MANE Select); coding-DNA position 2863, A replaced by T.
Protein change: p.Arg955Ter; replaces arginine 955 with a stop codon.
Molecular consequence: nonsense.
Genome position (GRCh38, 1-based): chr15:39,997,060, A>T. VCF-style: chr15-39997060-A-T. GRCh37 (hg19) VCF-style: chr15-40289261-A-T.
Other names: short protein forms R955*.
Identifiers: ClinVar variation 3728967 (VCV003728967.2).